The following is an entry in ClinVar:

ClinVar aggregate classification (germline): Uncertain significance. Review status: criteria provided, multiple submitters, no conflicts (2 of 4 stars). 3 submissions from 3 submitters: Uncertain significance (3). Last evaluated 2025-06-25.

Conditions:
Hereditary cancer-predisposing syndrome. Also called: Neoplastic Syndromes, Hereditary; Tumor predisposition; Hereditary Cancer Syndrome; Hereditary neoplastic syndrome. Identifiers: Orphanet 140162, MedGen C0027672, MeSH D009386, MONDO:0015356.
Familial adenomatous polyposis 1 (FAP1). Also called: FAMILIAL ADENOMATOUS POLYPOSIS 1, ATTENUATED; POLYPOSIS, ADENOMATOUS INTESTINAL. Identifiers: MedGen C2713442, MONDO:0021056, OMIM 175100. Disease mechanism: loss of function.

Allele frequency attached by ClinVar (database versions not stated): gnomAD exomes below 0.00001.
gnomAD v4.1: 1 of 1,613,998 alleles (0.000062%); highest among the groups gnomAD compares: Non-Finnish European, 0.000085%; no homozygotes.

Submissions (3):

Color Diagnostics, LLC DBA Color Health
Classification: Uncertain significance for Hereditary cancer-predisposing syndrome. Last evaluated: 2025-06-25. Review status: criteria provided, single submitter. Criteria: ACMG Guidelines, 2015. Collection method: clinical testing. Allele origin: germline.
Comment: This missense variant replaces glycine with glutamic acid at codon 2303 of the APC protein. Computational prediction is inconclusive regarding the impact of this variant on protein structure and function. To our knowledge, functional studies have not been reported for this variant. This variant has not been reported in individuals affected with APC-related disorders in the literature. This variant has not been identified in the general population by the Genome Aggregation Database (gnomAD). The available evidence is insufficient to determine the role of this variant in disease conclusively. Therefore, this variant is classified as a Variant of Uncertain Significance.

Ambry Genetics
Classification: Uncertain significance for Hereditary cancer-predisposing syndrome. Last evaluated: 2024-08-27. Review status: criteria provided, single submitter. Criteria: Ambry Variant Classification Scheme 2023. Collection method: clinical testing. Allele origin: germline.
Comment: The p.G2303E variant (also known as c.6908G>A), located in coding exon 15 of the APC gene, results from a G to A substitution at nucleotide position 6908. The glycine at codon 2303 is replaced by glutamic acid, an amino acid with similar properties. This amino acid position is conserved. In addition, in silico predictors for this gene do not accurately predict pathogenicity. Based on the available evidence, the clinical significance of this variant remains unclear.

Labcorp Genetics (formerly Invitae), Labcorp
Classification: Uncertain significance for Familial adenomatous polyposis 1. Last evaluated: 2023-07-10. Review status: criteria provided, single submitter. Criteria: Invitae Variant Classification Sherloc (09022015). Collection method: clinical testing. Allele origin: germline.
Comment: ClinVar contains an entry for this variant (Variation ID: 2115073). This variant has not been reported in the literature in individuals affected with APC-related conditions. This variant is not present in population databases (gnomAD no frequency). This sequence change replaces glycine, which is neutral and non-polar, with glutamic acid, which is acidic and polar, at codon 2303 of the APC protein (p.Gly2303Glu). Advanced modeling of protein sequence and biophysical properties (such as structural, functional, and spatial information, amino acid conservation, physicochemical variation, residue mobility, and thermodynamic stability) performed at Invitae indicates that this missense variant is not expected to disrupt APC protein function. In summary, the available evidence is currently insufficient to determine the role of this variant in disease. Therefore, it has been classified as a Variant of Uncertain Significance.

NM_000038.6(APC):c.6908G>A (p.Gly2303Glu)

Gene: APC (APC regulator of Wnt signaling pathway; plus strand). Cytogenetic location: 5q22.2.
Variant type: single nucleotide variant.
Coding change: c.6908G>A on transcript NM_000038.6 (MANE Select); coding-DNA position 6908, G replaced by A.
Protein change: p.Gly2303Glu; replaces glycine 2303 with glutamic acid.
Molecular consequence: missense variant.
Genome position (GRCh38, 1-based): chr5:112,842,502, G>A. VCF-style: chr5-112842502-G-A. GRCh37 (hg19) VCF-style: chr5-112178199-G-A.
Other names: c.6908G>A, p.Gly2303Glu (NM_001127510.3, NM_001354895.2, NM_001407450.1); c.6854G>A, p.Gly2285Glu (NM_001127511.3); c.6962G>A, p.Gly2321Glu (NM_001354896.2, NM_001407447.1, NM_001407448.1 and 1 more transcripts); c.6938G>A, p.Gly2313Glu (NM_001354897.2); c.6833G>A, p.Gly2278Glu (NM_001354898.2); c.6824G>A, p.Gly2275Glu (NM_001354899.2); c.6785G>A, p.Gly2262Glu (NM_001354900.2); c.6731G>A, p.Gly2244Glu (NM_001354901.2, NM_001407453.1); and 12 more; short protein forms G2020E, G2174E, G2177E, G2244E, G2275E, G2293E, G2331E, G1919E.
Identifiers: ClinVar variation 2115073 (VCV002115073.6), dbSNP rs2149976030, ClinGen allele CA16036401.